The following is an entry in ClinVar:

NM_005477.3(HCN4):c.2526C>T (p.Pro842=)

Gene: HCN4 (hyperpolarization activated cyclic nucleotide gated potassium channel 4; minus strand). Cytogenetic location: 15q24.1.
Variant type: single nucleotide variant.
Coding change: c.2526C>T on transcript NM_005477.3 (MANE Select); coding-DNA position 2526, C replaced by T.
Protein change: p.Pro842=; no amino-acid change (proline 842 retained).
Molecular consequence: synonymous variant.
Genome position (GRCh38, 1-based): chr15:73,323,567, G>A on the plus strand (C>T on the coding strand, the complement: HCN4 is on the minus strand). VCF-style: chr15-73323567-G-A. GRCh37 (hg19) VCF-style: chr15-73615908-G-A.
Identifiers: ClinVar variation 510694 (VCV000510694.18), dbSNP rs201499694, ClinGen allele CA7649007.

ClinVar aggregate classification (germline): Likely benign. Review status: criteria provided, multiple submitters, no conflicts (2 of 4 stars). 5 submissions from 5 submitters: Likely benign (5). Last evaluated 2026-03-27.

Conditions:
Cardiovascular phenotype. Identifiers: MedGen CN230736.
Brugada syndrome 8 (BRGDA8). Identifiers: Orphanet 130, MedGen C2751083, MONDO:0013148, OMIM 613123.

Allele frequency attached by ClinVar (database versions not stated): TOPMed 0.00002; 1000 Genomes Project 0.00020; gnomAD 0.00001 and 0.00002; ExAC 0.00004; 1000 Genomes Project 30x 0.00031; gnomAD exomes 0.00004 and 0.00006.
gnomAD v4.1: 66 of 1,600,726 alleles (0.0041%); highest among the groups gnomAD compares: Middle Eastern, 0.017%; no homozygotes.

Submissions (5):

Molecular Diagnostic Laboratory for Inherited Cardiovascular Disease, Montreal Heart Institute
Classification: Likely benign. Last evaluated: 2026-03-27. Review status: criteria provided, single submitter. Criteria: ACMG Guidelines, 2015. Collection method: clinical testing. Allele origin: germline. Affected: no.
Comment: BS1;BP7

Labcorp Genetics (formerly Invitae), Labcorp
Classification: Likely benign for Brugada syndrome 8. Last evaluated: 2025-12-05. Review status: criteria provided, single submitter. Criteria: Invitae Variant Classification Sherloc (09022015). Collection method: clinical testing. Allele origin: germline.

Athena Diagnostics
Classification: Likely benign. Last evaluated: 2024-10-01. Review status: criteria provided, single submitter. Criteria: Athena Diagnostics Criteria. Collection method: clinical testing. Allele origin: unknown.

Ambry Genetics
Classification: Likely benign for Cardiovascular phenotype. Last evaluated: 2020-12-09. Review status: criteria provided, single submitter. Criteria: Ambry Variant Classification Scheme 2023. Collection method: clinical testing. Allele origin: germline.

GeneDx
Classification: Likely benign. Last evaluated: 2020-10-06. Review status: criteria provided, single submitter. Criteria: GeneDx Variant Classification Process June 2021. Collection method: clinical testing. Allele origin: germline. Affected: yes.